The following is an entry in ClinVar:

NM_014714.4(IFT140):c.3925G>A (p.Glu1309Lys)

Gene: IFT140 (intraflagellar transport 140; minus strand). Cytogenetic location: 16p13.3.
Variant type: single nucleotide variant.
Coding change: c.3925G>A on transcript NM_014714.4 (MANE Select); coding-DNA position 3925, G replaced by A.
Protein change: p.Glu1309Lys; replaces glutamic acid 1309 with lysine.
Molecular consequence: missense variant.
Genome position (GRCh38, 1-based): chr16:1,519,996, C>T on the plus strand (G>A on the coding strand, the complement: IFT140 is on the minus strand). VCF-style: chr16-1519996-C-T. GRCh37 (hg19) VCF-style: chr16-1569997-C-T.
Other names: short protein forms E1309K.
Identifiers: ClinVar variation 1045560 (VCV001045560.6), dbSNP rs756142477, ClinGen allele CA7812974.

ClinVar aggregate classification (germline): Uncertain significance. Review status: criteria provided, multiple submitters, no conflicts (2 of 4 stars). 2 submissions from 2 submitters: Uncertain significance (2). Last evaluated 2024-05-16.

Conditions:
Retinitis pigmentosa 80 (RP80). Identifiers: MedGen C4540439, MONDO:0054708, OMIM 617781.
Saldino-Mainzer syndrome (SRTD9). Also called: CONORENAL SYNDROME; Renal dysplasia, retinal pigmentary dystrophy, cerebellar ataxia and skeletal dysplasia; short-rib thoracic dysplasia 9 with or without polydactyly; SHORT-RIB THORACIC DYSPLASIA 9 WITHOUT POLYDACTYLY. Identifiers: Orphanet 140969, MedGen C1849437, MONDO:0009964, OMIM 266920.

Allele frequency attached by ClinVar (database versions not stated): TOPMed 0.00002; ExAC 0.00003; gnomAD 0.00003 and 0.00002; gnomAD exomes 0.00004.
gnomAD v4.1: 34 of 1,604,868 alleles (0.0021%); highest among the groups gnomAD compares: Middle Eastern, 0.033%; no homozygotes.

Submissions (2):

Fulgent Genetics
Classification: Uncertain significance for Saldino-Mainzer syndrome; Retinitis pigmentosa 80. Last evaluated: 2024-05-16. Review status: criteria provided, single submitter. Criteria: ACMG Guidelines, 2015. Collection method: clinical testing. Allele origin: germline.

Labcorp Genetics (formerly Invitae), Labcorp
Classification: Uncertain significance for Saldino-Mainzer syndrome. Last evaluated: 2022-08-31. Review status: criteria provided, single submitter. Criteria: Invitae Variant Classification Sherloc (09022015). Collection method: clinical testing. Allele origin: germline.
Comment: This sequence change replaces glutamic acid, which is acidic and polar, with lysine, which is basic and polar, at codon 1309 of the IFT140 protein (p.Glu1309Lys). This variant is present in population databases (rs756142477, gnomAD 0.02%). This variant has not been reported in the literature in individuals affected with IFT140-related conditions. ClinVar contains an entry for this variant (Variation ID: 1045560). Algorithms developed to predict the effect of missense changes on protein structure and function are either unavailable or do not agree on the potential impact of this missense change (SIFT: "Tolerated"; PolyPhen-2: "Probably Damaging"; Align-GVGD: "Class C0"). In summary, the available evidence is currently insufficient to determine the role of this variant in disease. Therefore, it has been classified as a Variant of Uncertain Significance.